The following is an entry in ClinVar:

NM_006361.6(HOXB13):c.781A>G (p.Thr261Ala)

Gene: HOXB13 (homeobox B13; minus strand). Cytogenetic location: 17q21.32.
Variant type: single nucleotide variant.
Coding change: c.781A>G on transcript NM_006361.6 (MANE Select); coding-DNA position 781, A replaced by G.
Protein change: p.Thr261Ala; replaces threonine 261 with alanine.
Molecular consequence: missense variant.
Genome position (GRCh38, 1-based): chr17:48,726,864, T>C on the plus strand (A>G on the coding strand, the complement: HOXB13 is on the minus strand). VCF-style: chr17-48726864-T-C. GRCh37 (hg19) VCF-style: chr17-46804226-T-C.
Other names: short protein forms T261A.
Identifiers: ClinVar variation 3526304 (VCV003526304.1).
Genomic context (GRCh38, chr17:48,726,864, plus strand): 5'-TGTTCTTCACCTTGGCGAGAACCTTCTTCTCTTTGACCCGGCGGTTCTGAAACCAGATGG[T>C]AATCTGGCGCTCCGAGAGGCTGGTGGCTGCCGAGATCTTGCGCCTCTTGTCCTTGGTGAT-3'
Protein context (NP_006352.2, residues 251-271): AATSLSERQI[Thr261Ala]IWFQNRRVKE

ClinVar aggregate classification (germline): Uncertain significance (1 of 4 stars; one submission).

Conditions:
Hereditary cancer-predisposing syndrome. Also called: Hereditary Cancer Syndrome; Hereditary neoplastic syndrome; Tumor predisposition; Neoplastic Syndromes, Hereditary. Identifiers: Orphanet 140162, MedGen C0027672, MeSH D009386, MONDO:0015356.

Submission:

Ambry Genetics
Classification: Uncertain significance for Hereditary cancer-predisposing syndrome. Last evaluated: 2024-11-22. Review status: criteria provided, single submitter. Criteria: Ambry Variant Classification Scheme 2023. Collection method: clinical testing. Allele origin: germline.
Comment: The p.T261A variant (also known as c.781A>G), located in coding exon 2 of the HOXB13 gene, results from an A to G substitution at nucleotide position 781. The threonine at codon 261 is replaced by alanine, an amino acid with similar properties. This amino acid position is conserved. In addition, this alteration is predicted to be deleterious by in silico analysis. Based on the available evidence, the clinical significance of this variant remains unclear.